The following is an entry in ClinVar:

NC_012920.1(MT-CO3):m.9205_9206del

Genes: MT-ATP6 (mitochondrially encoded ATP synthase 6; plus strand), MT-CO3 (mitochondrially encoded cytochrome c oxidase III; plus strand).
Variant type: Deletion.
Genome position: chrM-9203-CAT-C.
Identifiers: ClinVar variation 9646 (VCV000009646.4), dbSNP rs199476137, ClinGen allele CA120599.

ClinVar aggregate classification (germline): Likely pathogenic. Review status: reviewed by expert panel (3 of 4 stars). 3 submissions from 3 submitters: Likely pathogenic (1). 2 of the submissions do not count toward it. Last evaluated 2022-06-30.

Conditions:
Mitochondrial disease. Also called: Mitochondrial disorder; Mitochondrial disorders. Identifiers: Orphanet 68380, MedGen C0751651, MeSH D028361, MONDO:0044970.
Leber optic atrophy (LHON). Also called: Optic Atrophy, Hereditary, Leber; Leber hereditary optic neuropathy; Leber's disease; Leber's optic atrophy. Identifiers: Orphanet 104, MedGen C0917796, MONDO:0010788, OMIM 535000, HP:0001112.
Seizures and lactic acidosis. Identifiers: MedGen C4016603.

Submissions (3):

ClinGen Mitochondrial Disease Nuclear and Mitochondrial  Variant Curation Expert Panel, ClinGen
Classification: Likely pathogenic for Mitochondrial disease. Last evaluated: 2022-06-30. Review status: reviewed by expert panel. Criteria: clingen mito disease acmg specifications v1-1. Collection method: curation. Allele origin: germline. Inheritance: Mitochondrial inheritance.
Comment: The m.9205_9206delTA (p.Ter227M) variant in MT-ATP6 has been reported in two unrelated probands with features of primary mitochondrial disease (neonatal lactic acidosis, failure to thrive, spasticity, microcephaly, developmental delay; PS4_supporting; PMIDs: 8739943, 15265003). The variant was de novo in one of these individuals (absent in mother and maternal grandmother's lymphocytes via PCR-SSCP; PM6_supporting; PMID: 8739943). In the other family, this variant segregated with disease in two unaffected family members as they had lower levels of the variant, however the unaffected mother’s heteroplasmy level was still fairly high at >90% (PMID: 15265003). This variant is absent in the GenBank dataset, Helix dataset, and gnomAD v3.1.2 (PM2_supporting). There are no cybrids or single fiber studies reported on this variant. The loss residue removes the termination codon for MT-ATP6 and sets MT-CO3 immediately in frame. This results in decreased steady state level of RNA14, the ATPase 8- and 6-encoding bi-cistronic mRNA unit, causing dysregulation of mRNA stability (PM4, PMID: 12915481). This variant meets criteria to be classified as uncertain significance however, after extensive discussion, this Expert Panel elected to modify the classification to likely pathogenic given the functional evidence showing destabilization of the RNA. In summary, this variant is classified as likely pathogenic for primary mitochondrial disease inherited in a mitochondrial manner. Mitochondrial DNA-specific ACMG/AMP criteria applied (PMID: 32906214): PM6_supporting, PM2_supporting, PM4, PS4_supporting.

Mendelics
Classification: Pathogenic for Leber optic atrophy. Last evaluated: 2022-05-04. Review status: criteria provided, single submitter. Criteria: Mendelics Assertion Criteria 2019. Collection method: clinical testing. Allele origin: germline. Not counted in ClinVar's aggregate classification.

OMIM
Classification: Pathogenic for SEIZURES AND LACTIC ACIDOSIS. Last evaluated: 2003-09-15. Review status: no assertion criteria provided. Collection method: literature only. Allele origin: germline. Not counted in ClinVar's aggregate classification.

Literature cited by the submitters: PubMed 8739943 (cited by OMIM); PubMed 12915481 (cited by OMIM).